The following is an entry in ClinVar:

NM_007294.4(BRCA1):c.671-2A>C

Gene: BRCA1 (BRCA1 DNA repair associated; minus strand). Cytogenetic location: 17q21.31.
Variant type: single nucleotide variant.
Coding change: c.671-2A>C on transcript NM_007294.4 (MANE Select); the canonical splice acceptor site of the intron before coding-DNA position 671, A replaced by C.
Molecular consequence: splice acceptor variant. On other transcripts: intron variant (13).
Genome position (GRCh38, 1-based): chr17:43,094,862, T>G on the plus strand (A>C on the coding strand, the complement: BRCA1 is on the minus strand). VCF-style: chr17-43094862-T-G. GRCh37 (hg19) VCF-style: chr17-41246879-T-G.
Other names: IVS10-2A>C; c.530-2A>C (NM_001407852.1, NM_001407750.1, NM_001407732.1 and 43 more transcripts); c.590-2A>C (NM_001408413.1, NM_001407660.1, NM_001407661.1 and 3 more transcripts); c.470-2A>C (NM_001408476.1, NM_001408474.1, NM_001407862.1); c.593-2A>C (NM_001408409.1, NM_001407663.1, NM_001407658.1 and 9 more transcripts); c.335-2A>C (NM_001407958.1, NM_001407955.1, NM_001407954.1 and 3 more transcripts); c.458-2A>C (NM_001408493.1, NM_001408490.1, NM_001407915.1 and 12 more transcripts); c.338-2A>C (NM_001408502.1, NM_001407951.1, NM_001407946.1 and 7 more transcripts); and 21 more.
Identifiers: ClinVar variation 55663 (VCV000055663.20), dbSNP rs80358108, ClinGen allele CA003806.

ClinVar aggregate classification (germline): Pathogenic/Likely pathogenic. Review status: criteria provided, multiple submitters, no conflicts (2 of 4 stars). 6 submissions from 6 submitters: Pathogenic (3); Likely pathogenic (2). 1 of the submissions does not count toward it. Last evaluated 2025-01-24.

Conditions:
Hereditary cancer-predisposing syndrome. Also called: Hereditary Cancer Syndrome; Hereditary neoplastic syndrome; Neoplastic Syndromes, Hereditary; Tumor predisposition. Identifiers: Orphanet 140162, MedGen C0027672, MeSH D009386, MONDO:0015356.
Breast-ovarian cancer, familial, susceptibility to, 1 (BROVCA1). Also called: BRCA1 Hereditary Breast and Ovarian Cancer; OVARIAN CANCER, SUSCEPTIBILITY TO. Identifiers: Orphanet 145, MedGen C2676676, MONDO:0011450, OMIM 604370. Disease mechanism: loss of function.
Hereditary breast ovarian cancer syndrome. Also called: BRCA1- and BRCA2-Associated Hereditary Breast and Ovarian Cancer; Hereditary breast and ovarian cancer syndrome; Hereditary breast and ovarian cancer syndrome (HBOC); Breast and ovarian cancer; Hereditary breast and/or ovarian cancer syndrome; Hereditary breast and ovarian cancer. Identifiers: Orphanet 145, MedGen C0677776, MeSH D061325, MONDO:0003582. Disease mechanism: loss of function.

Allele frequency attached by ClinVar (database versions not stated): gnomAD exomes below 0.00001; ExAC 0.00001.
gnomAD v4.1: 1 of 1,606,808 alleles (0.000062%); highest among the groups gnomAD compares: African/African-American, 0.0013%; no homozygotes.

Submissions (6):

Color Diagnostics, LLC DBA Color Health
Classification: Likely pathogenic for Hereditary cancer-predisposing syndrome. Last evaluated: 2025-01-24. Review status: criteria provided, single submitter. Criteria: ACMG Guidelines, 2015. Collection method: clinical testing. Allele origin: germline.
Comment: This variant causes an A to C nucleotide substitution at the -2 position of intron 9 of the BRCA1 gene. This variant is also known as IVS10-2A>C based on Breast Cancer Information Core (BIC) nomenclature. RNA studies on total RNA from carriers of BRCA1 c.671-2A>C and c.671-2A>G have reported the skipping of exon 10 and exons 8-10 that result in in-frame deletion and the out-of-frame skipping of exons 9 and 10 (PMID: 14513821, 24212087, 29774201, 30736279). Functional studies have reported that the skipping of exon 10, while reduces some BRCA1 function, does not completely abolish its activity for DNA damage repair and cell proliferation (PMID: 8972225, 11359908, 16949048). Collectively, the RNA and functional studies suggest that canonical splice site variants at intron 9 acceptor site may retain some BRCA1 activity similar to a leaky splice variant. Canonical splice site variants at the intron 9 splice acceptor site have been reported in 6 individuals affected with breast and/or ovarian cancer (PMID: 26911350, 28145423, 35220195, 35918668) and multiple suspected breast and ovarian cancer families (PMID: 12960223, 29446198, 32614418) and individuals affected with lung cancer and melanoma (PMID: 33610559, 35712480). This variant has been reported as a reduced penetrance pathogenic variant (PMID: 39488595). This variant has been identified in 1/236750 chromosomes in the general population by the Genome Aggregation Database (gnomAD). Loss of BRCA1 function is a known mechanism of disease. Based on the available evidence, this variant is classified as Likely Pathogenic.

Ambry Genetics
Classification: Pathogenic for Hereditary cancer-predisposing syndrome. Last evaluated: 2024-01-11. Review status: criteria provided, single submitter. Criteria: Ambry Variant Classification Scheme 2023. Collection method: clinical testing. Allele origin: germline.
Comment: The c.671-2A>C intronic pathogenic mutation results from an A to C substitution two nucleotides upstream from coding exon 9 in the BRCA1 gene. This mutation was reported in a high-risk breast cancer family and was shown to result in an aberrant RNA splicing transcript without coding exon 9 (Exon 11 in the literature, Keaton JC et al. J. Hum. Genet. 2003 ; 48(8):399-403). In silico splice site analysis predicts that this alteration will weaken the native splice acceptor site. Alterations that disrupt the canonical splice site are expected to cause aberrant splicing, resulting in an abnormal protein or a transcript that is subject to nonsense-mediated mRNA decay; however this exon, which comprises over 50% of the BRCA1 protein, is absent in part or in whole in naturally occurring alternative splicing isoforms (Colombo M et al. Hum Mol Genet 2014 Jul;23(14):3666-80). Functional studies have shown that loss of this exon may impair cellular localization and have reduced, but not lost, DNA damage repair function (Thakur S et al. Mol Cell Biol 1997 Jan;17(1):444-52, Huber LJ et al. Mol Cell Biol 2001 Jun;21(12):4005-15, Kim SS et al. Mol Cell Biol 2006 Sep;26(18):6983-92). Additionally, mouse embryos with homozygous BRCA1 coding exon 9 deletions survive longer than BRCA1-null embryos, suggesting protein without exon 9 may still be able to perform some BRCA1 essential functions (Huber LJ et al. Mol Cell Biol 2001 Jun;21(12):4005-15). Based on the majority of available evidence to date, this variant is pathogenic. However, carriers of this variant and their families may present with reduced risks, and not with the typical clinical characteristics of a high-risk pathogenic BRCA1 alteration. As risk estimates are unknown at this time, clinical correlation is advised.

Labcorp Genetics (formerly Invitae), Labcorp
Classification: Likely pathogenic for Hereditary breast ovarian cancer syndrome. Last evaluated: 2022-03-10. Review status: criteria provided, single submitter. Criteria: Invitae Variant Classification Sherloc (09022015). Collection method: clinical testing. Allele origin: germline.
Comment: In summary, the currently available evidence indicates that the variant is pathogenic, but additional data are needed to prove that conclusively. Therefore, this variant has been classified as Likely Pathogenic. This sequence change affects an acceptor splice site in intron 9 of the BRCA1 gene. It is expected to disrupt RNA splicing. Variants that disrupt the donor or acceptor splice site typically lead to a loss of protein function (PMID: 16199547), and loss-of-function variants in BRCA1 are known to be pathogenic (PMID: 20104584). This variant is not present in population databases (gnomAD no frequency). Disruption of this splice site has been observed in individual(s) with personal and/or family history of breast and/or ovarian cancer (PMID: 29446198, 29470806). ClinVar contains an entry for this variant (Variation ID: 55663). Studies have shown that disruption of this splice site results in multiple aberrant transcripts that delete exon 10 (referred to as exon 11) (PMID: 14513821). This variant disrupts the nuclear localization signal, DNA binding domain and coiled-coil domain of BRCA1, which mediate interactions with RAD51, RAD50 and PALB2 (PMID: 25652403, 22737296). While functional studies have not been performed to directly test the effect of this variant on BRCA1 protein function, this suggests that disruption of this region of the protein is causative of disease.

Institute for Biomarker Research, Medical Diagnostic Laboratories, L.L.C.
Classification: Pathogenic for Breast-ovarian cancer, familial 1. Last evaluated: 2017-02-14. Review status: criteria provided, single submitter. Criteria: ACMG Guidelines, 2015. Collection method: clinical testing. Allele origin: germline.

Consortium of Investigators of Modifiers of BRCA1/2 (CIMBA), c/o University of Cambridge
Classification: Pathogenic for Breast-ovarian cancer, familial, susceptibility to, 1. Last evaluated: 2015-10-02. Review status: criteria provided, single submitter. Criteria: CIMBA Mutation Classification guidelines May 2016. Collection method: clinical testing. Allele origin: germline.

Breast Cancer Information Core (BIC) (BRCA1)
Classification: Pathogenic for Breast-ovarian cancer, familial 1. Last evaluated: 1999-06-21. Review status: no assertion criteria provided. Collection method: clinical testing. Allele origin: germline. Affected: yes. Observed: 1 variant allele. Not counted in ClinVar's aggregate classification.

Literature cited by the submitters: PubMed 8972225 (cited by Color Diagnostics, LLC DBA Color Health); PubMed 11359908 (cited by Color Diagnostics, LLC DBA Color Health); PubMed 12960223 (cited by Color Diagnostics, LLC DBA Color Health); PubMed 14513821 (cited by 3 submitters); PubMed 16949048 (cited by Color Diagnostics, LLC DBA Color Health); PubMed 24212087 (cited by Color Diagnostics, LLC DBA Color Health); PubMed 26911350 (cited by Color Diagnostics, LLC DBA Color Health); PubMed 28145423 (cited by Color Diagnostics, LLC DBA Color Health); PubMed 29446198 (cited by Color Diagnostics, LLC DBA Color Health and Labcorp Genetics (formerly Invitae), Labcorp); PubMed 29774201 (cited by Color Diagnostics, LLC DBA Color Health); PubMed 30736279 (cited by Color Diagnostics, LLC DBA Color Health); PubMed 32614418 (cited by Color Diagnostics, LLC DBA Color Health); PubMed 33610559 (cited by Color Diagnostics, LLC DBA Color Health); PubMed 35220195 (cited by Color Diagnostics, LLC DBA Color Health); PubMed 35712480 (cited by Color Diagnostics, LLC DBA Color Health); PubMed 35918668 (cited by Color Diagnostics, LLC DBA Color Health); PubMed 39488595 (cited by Color Diagnostics, LLC DBA Color Health); PubMed 16199547 (cited by Labcorp Genetics (formerly Invitae), Labcorp); PubMed 20104584 (cited by Labcorp Genetics (formerly Invitae), Labcorp); PubMed 29470806 (cited by Labcorp Genetics (formerly Invitae), Labcorp); PubMed 25652403 (cited by Labcorp Genetics (formerly Invitae), Labcorp); PubMed 22737296 (cited by Labcorp Genetics (formerly Invitae), Labcorp).